The following is an entry in ClinVar:

ClinVar aggregate classification (germline): Uncertain significance. Review status: criteria provided, single submitter (1 of 4 stars). 2 submissions from 2 submitters: Uncertain significance (1). 1 of the submissions does not count toward it. Last evaluated 2024-04-15.

Conditions:
UV-induced skin damage, susceptibility to. Identifiers: MedGen C2678403, MONDO:0800410.
Melanoma, cutaneous malignant, susceptibility to, 5. Also called: Cutaneous malignant melanoma 5. Identifiers: Orphanet 618, MedGen C2751295, MONDO:0013133, OMIM 613099.

Allele frequency attached by ClinVar (database versions not stated): TOPMed 0.00001; ExAC 0.00001; gnomAD exomes 0.00001 and below 0.00001; gnomAD 0.00001.
gnomAD v4.1: 7 of 1,606,208 alleles (0.00044%); highest among the groups gnomAD compares: East Asian, 0.0089%; no homozygotes.

Submissions (2):

Labcorp Genetics (formerly Invitae), Labcorp
Classification: Uncertain significance for Melanoma, cutaneous malignant, susceptibility to, 5. Last evaluated: 2024-04-15. Review status: criteria provided, single submitter. Criteria: Invitae Variant Classification Sherloc (09022015). Collection method: clinical testing. Allele origin: germline.
Comment: This sequence change replaces threonine, which is neutral and polar, with isoleucine, which is neutral and non-polar, at codon 157 of the MC1R protein (p.Thr157Ile). This variant is present in population databases (rs104894524, gnomAD 0.02%). This variant has not been reported in the literature in individuals affected with MC1R-related conditions. ClinVar contains an entry for this variant (Variation ID: 14314). Advanced modeling of protein sequence and biophysical properties (such as structural, functional, and spatial information, amino acid conservation, physicochemical variation, residue mobility, and thermodynamic stability) performed at Invitae indicates that this missense variant is expected to disrupt MC1R protein function with a positive predictive value of 80%. Experimental studies have shown that this missense change affects MC1R function (PMID: 16463023). In summary, the available evidence is currently insufficient to determine the role of this variant in disease. Therefore, it has been classified as a Variant of Uncertain Significance.

OMIM
Classification: risk factor for UV-INDUCED SKIN DAMAGE, SUSCEPTIBILITY TO. Last evaluated: 2006-04-01. Review status: no assertion criteria provided. Collection method: literature only. Allele origin: germline. Not counted in ClinVar's aggregate classification.

Literature cited by the submitters: PubMed 16463023 (cited by Labcorp Genetics (formerly Invitae), Labcorp and OMIM).

NM_002386.4(MC1R):c.470C>T (p.Thr157Ile)

Gene: MC1R (melanocortin 1 receptor; plus strand). Cytogenetic location: 16q24.3.
Variant type: single nucleotide variant.
Coding change: c.470C>T on transcript NM_002386.4 (MANE Select); coding-DNA position 470, C replaced by T.
Protein change: p.Thr157Ile; replaces threonine 157 with isoleucine.
Molecular consequence: missense variant.
Genome position (GRCh38, 1-based): chr16:89,919,728, C>T. VCF-style: chr16-89919728-C-T. GRCh37 (hg19) VCF-style: chr16-89986136-C-T.
Other names: short protein forms T157I.
Identifiers: ClinVar variation 14314 (VCV000014314.6), dbSNP rs104894524, ClinGen allele CA123873.